The following is an entry in ClinVar:

NM_001378454.1(ALMS1):c.12137C>A (p.Pro4046His)

Genes: ALMS1 (ALMS1 centrosome and basal body associated protein; plus strand), LOC126806252 (BRD4-independent group 4 enhancer GRCh37_chr2:73828496-73829695; plus strand). Cytogenetic location: 2p13.1.
Variant type: single nucleotide variant.
Coding change: c.12137C>A on transcript NM_001378454.1 (MANE Select); coding-DNA position 12137, C replaced by A.
Protein change: p.Pro4046His; replaces proline 4046 with histidine.
Molecular consequence: missense variant.
Genome position (GRCh38, 1-based): chr2:73,602,207, C>A. VCF-style: chr2-73602207-C-A. GRCh37 (hg19) VCF-style: chr2-73829334-C-A.
Other names: c.12140C>A, p.Pro4047His (NM_015120.4); short protein forms P4047H, P4046H.
Identifiers: ClinVar variation 864538 (VCV000864538.14), dbSNP rs751862434, ClinGen allele CA1715464.

ClinVar aggregate classification (germline): Uncertain significance. Review status: criteria provided, multiple submitters, no conflicts (2 of 4 stars). 5 submissions from 5 submitters: Uncertain significance (4). 1 of the submissions does not count toward it. Last evaluated 2024-10-22.

Conditions:
Cardiovascular phenotype. Identifiers: MedGen CN230736.
Alstrom syndrome (ALMS). Identifiers: Orphanet 64, MedGen C0268425, MONDO:0008763, OMIM 203800.

Allele frequency attached by ClinVar (database versions not stated): ExAC 0.00001; TOPMed 0.00001; gnomAD 0.00002.
gnomAD v4.1: 23 of 1,613,926 alleles (0.0014%); highest among the groups gnomAD compares: Non-Finnish European, 0.0019%; no homozygotes.

Submissions (5):

Labcorp Genetics (formerly Invitae), Labcorp
Classification: Uncertain significance for Alstrom syndrome. Last evaluated: 2024-10-22. Review status: criteria provided, single submitter. Criteria: Invitae Variant Classification Sherloc (09022015). Collection method: clinical testing. Allele origin: germline.
Comment: This sequence change replaces proline, which is neutral and non-polar, with histidine, which is basic and polar, at codon 4047 of the ALMS1 protein (p.Pro4047His). This variant is present in population databases (rs751862434, gnomAD 0.006%). This variant has not been reported in the literature in individuals affected with ALMS1-related conditions. ClinVar contains an entry for this variant (Variation ID: 864538). Experimental studies and prediction algorithms are not available or were not evaluated, and the functional significance of this variant is currently unknown. In summary, the available evidence is currently insufficient to determine the role of this variant in disease. Therefore, it has been classified as a Variant of Uncertain Significance.

Blueprint Genetics
Classification: Uncertain significance. Last evaluated: 2024-10-15. Review status: criteria provided, single submitter. Criteria: ACMG Guidelines, 2015. Collection method: clinical testing. Allele origin: germline.

Fulgent Genetics
Classification: Uncertain significance for Alstrom syndrome. Last evaluated: 2021-10-19. Review status: criteria provided, single submitter. Criteria: ACMG Guidelines, 2015. Collection method: clinical testing. Allele origin: unknown.

Ambry Genetics
Classification: Uncertain significance for Cardiovascular phenotype. Last evaluated: 2019-12-19. Review status: criteria provided, single submitter. Criteria: Ambry Variant Classification Scheme 2023. Collection method: clinical testing. Allele origin: germline.
Comment: The p.P4047H variant (also known as c.12140C>A), located in coding exon 20 of the ALMS1 gene, results from a C to A substitution at nucleotide position 12140. The proline at codon 4047 is replaced by histidine, an amino acid with similar properties. This amino acid position is highly conserved in available vertebrate species. In addition, this alteration is predicted to be deleterious by in silico analysis. Since supporting evidence is limited at this time, the clinical significance of this alteration remains unclear.

Natera, Inc.
Classification: Uncertain significance for Alstrom syndrome. Last evaluated: 2021-08-03. Review status: no assertion criteria provided. Collection method: clinical testing. Allele origin: germline. Not counted in ClinVar's aggregate classification.